The following is an entry in ClinVar:

NM_000117.3(EMD):c.448A>G (p.Arg150Gly)

Gene: EMD (emerin; plus strand). Cytogenetic location: Xq28.
Variant type: single nucleotide variant.
Coding change: c.448A>G on transcript NM_000117.3 (MANE Select); coding-DNA position 448, A replaced by G.
Protein change: p.Arg150Gly; replaces arginine 150 with glycine.
Molecular consequence: missense variant.
Genome position (GRCh38, 1-based): chrX:154,380,801, A>G. VCF-style: chrX-154380801-A-G. GRCh37 (hg19) VCF-style: chrX-153609161-A-G.
Other names: short protein forms R150G.
Identifiers: ClinVar variation 2043011 (VCV002043011.5), dbSNP rs2522789946, ClinGen allele CA415258352.

ClinVar aggregate classification (germline): Uncertain significance (1 of 4 stars; one submission).

Conditions:
X-linked Emery-Dreifuss muscular dystrophy. Also called: Muscular dystrophy, tardive Emery-Dreifuss type, with contractures. Identifiers: Orphanet 261, Orphanet 98863, MedGen C0751337, MONDO:0010680.

Allele frequency attached by ClinVar (database versions not stated): gnomAD exomes below 0.00001.
gnomAD v4.1: 1 of 1,211,938 alleles (0.000083%); highest among the groups gnomAD compares: Non-Finnish European, 0.00011%; no homozygotes.

Submissions (2):

Labcorp Genetics (formerly Invitae), Labcorp
Classification: Uncertain significance for X-linked Emery-Dreifuss muscular dystrophy. Last evaluated: 2022-09-23. Review status: criteria provided, single submitter. Criteria: Invitae Variant Classification Sherloc (09022015). Collection method: clinical testing. Allele origin: germline.
Comment: This variant is not present in population databases (gnomAD no frequency). This sequence change replaces arginine, which is basic and polar, with glycine, which is neutral and non-polar, at codon 150 of the EMD protein (p.Arg150Gly). This variant has not been reported in the literature in individuals affected with EMD-related conditions. Algorithms developed to predict the effect of missense changes on protein structure and function are either unavailable or do not agree on the potential impact of this missense change (SIFT: "Deleterious"; PolyPhen-2: "Benign"; Align-GVGD: "Class C0"). Algorithms developed to predict the effect of sequence changes on RNA splicing suggest that this variant may disrupt the consensus splice site. In summary, the available evidence is currently insufficient to determine the role of this variant in disease. Therefore, it has been classified as a Variant of Uncertain Significance.

Dr. Peter K. Rogan Lab, Western University
No classification provided (evidence only). Condition: Thyroid cancer, nonmedullary, 1. Review status: no classification provided. Collection method: in vitro. Allele origin: not applicable. Functional consequence: retained intron. Not counted in ClinVar's aggregate classification.